The following is an entry in ClinVar:

ClinVar aggregate classification (germline): Conflicting classifications of pathogenicity. Review status: criteria provided, conflicting classifications (1 of 4 stars). 25 submissions from 25 submitters: Uncertain significance (5); Benign (2); Likely benign (10). 8 of the submissions do not count toward it. Last evaluated 2026-02-01.

Conditions:
NBN-related disorder. Also called: NBN-related condition.
Aplastic anemia. Identifiers: Orphanet 182040, Orphanet 88, MedGen C0002874, MONDO:0015909, OMIM 609135, HP:0001915.
Microcephaly, normal intelligence and immunodeficiency (NBS). Also called: SEEMANOVA SYNDROME II; Microcephaly with normal intelligence immunodeficiency and lymphoreticular malignancies; Nonsyndromal microcephaly autosomal recessive with normal intelligence; Seemanova syndrome 2; IMMUNODEFICIENCY, MICROCEPHALY, AND CHROMOSOMAL INSTABILITY; Immunodeficiency, microcephaly with normal intelligence. Identifiers: Orphanet 647, MedGen C0398791, MONDO:0009623, OMIM 251260.
Acute lymphoid leukemia (ALL). Also called: Lymphoblastic leukemia; Acute lymphoblastic leukemia; Acute lymphocytic leukemia; Leukemia, acute lymphoblastic, somatic. Identifiers: Orphanet 513, MedGen C0023449, MONDO:0004967, OMIM 613065, HP:0006721.
Hereditary cancer-predisposing syndrome. Also called: Neoplastic Syndromes, Hereditary; Tumor predisposition; Hereditary Cancer Syndrome; Hereditary neoplastic syndrome. Identifiers: Orphanet 140162, MedGen C0027672, MeSH D009386, MONDO:0015356.
Familial cancer of breast. Also called: hereditary breast carcinoma; Hereditary breast cancer; BREAST CANCER, FAMILIAL. Identifiers: Orphanet 227535, MedGen C0346153, MONDO:0016419, OMIM 114480. Disease mechanism: loss of function.
Malignant tumor of breast. Also called: Cancer breast; Malignant breast neoplasm. Identifiers: MedGen C0006142, MONDO:0007254. Disease mechanism: loss of function.

Allele frequency attached by ClinVar (database versions not stated): 1000 Genomes Project 30x 0.00016; 1000 Genomes Project 0.00020; TOPMed 0.00026; gnomAD 0.00027; ESP Exome Variant Server 0.00031; gnomAD exomes 0.00031 and 0.00037; ExAC 0.00037.

Submissions 1 to 18 of 25:

Labcorp Genetics (formerly Invitae), Labcorp
Classification: Benign for Microcephaly, normal intelligence and immunodeficiency. Last evaluated: 2026-02-01. Review status: criteria provided, single submitter. Criteria: Invitae Variant Classification Sherloc (09022015). Collection method: clinical testing. Allele origin: germline.

Women's Health and Genetics/Laboratory Corporation of America, LabCorp
Classification: Likely benign. Last evaluated: 2026-01-14. Review status: criteria provided, single submitter. Criteria: LabCorp Variant Classification Summary - May 2015. Collection method: clinical testing. Allele origin: germline.
Comment: Variant summary: NBN c.1262T>C (p.Leu421Ser) results in a non-conservative amino acid change in the encoded protein sequence. Algorithms developed to predict the effect of missense changes on protein structure and function are either unavailable or do not agree on the potential impact of this missense change. The variant allele was found at a frequency of 0.00037 in 260122 control chromosomes, predominantly at a frequency of 0.0042 within the Ashkenazi Jewish subpopulation in the gnomAD database. The observed variant frequency within Ashkenazi Jewish control individuals in the gnomAD database exceeds the estimated maximal expected allele frequency for disease-causing variants in NBN. The variant was also reported in 7 European American women older than age 70 years who have never had cancer. This data provides supporting evidence for a benign role. c.1262T>C has been reported in the literature in individuals affected with CVID, OvC, HBOC, Lynch syndrome and PDAC (e.g. Offer_2010, Ramus_2015, Tung_2015, Yurgelun_2015, 2017, Chaffee_2018, Dorling_2021) but it was also reported in multiple controls (Offer_2010, Ramus_2015, Dorling_2021). To our knowledge, no experimental evidence demonstrating an impact on protein function has been reported. The following publications have been ascertained in the context of this evaluation (PMID: 34326862, 28726808, 33471991, 23555315, 20805886, 26315354, 30374176, 25186627, 25980754, 28135145, 35534704). ClinVar contains an entry for this variant (Variation ID: 127009). Based on the evidence outlined above, the variant was classified as likely benign.

PreventionGenetics, part of Exact Sciences
Classification: Likely benign for NBN-related condition. Last evaluated: 2024-10-31. Review status: criteria provided, single submitter. Criteria: ACMG Guidelines, 2015. Collection method: clinical testing. Allele origin: germline.
Comment: This variant is classified as likely benign based on ACMG/AMP sequence variant interpretation guidelines (Richards et al. 2015 PMID: 25741868, with internal and published modifications).

Blueprint Genetics
Classification: Likely benign. Last evaluated: 2024-10-28. Review status: criteria provided, single submitter. Criteria: ACMG Guidelines, 2015. Collection method: clinical testing. Allele origin: germline.

Quest Diagnostics Nichols Institute San Juan Capistrano
Classification: Likely benign. Last evaluated: 2023-01-12. Review status: criteria provided, single submitter. Criteria: Quest Diagnostics criteria. Collection method: clinical testing. Allele origin: unknown.

Institute for Biomarker Research, Medical Diagnostic Laboratories, L.L.C.
Classification: Likely benign for Hereditary cancer-predisposing syndrome. Last evaluated: 2023-01-10. Review status: criteria provided, single submitter. Criteria: ACMG Guidelines, 2015. Collection method: clinical testing. Allele origin: germline.

Genetic Services Laboratory, University of Chicago
Classification: Likely benign. Last evaluated: 2021-12-15. Review status: criteria provided, single submitter. Criteria: ACMG Guidelines, 2015. Collection method: clinical testing. Allele origin: germline. Affected: no.

Genome-Nilou Lab
Classification: Likely benign for Microcephaly, normal intelligence and immunodeficiency. Last evaluated: 2021-11-07. Review status: criteria provided, single submitter. Criteria: ACMG Guidelines, 2015. Collection method: clinical testing. Allele origin: germline. Affected: no.

Institute for Clinical Genetics, University Hospital TU Dresden, University Hospital TU Dresden
Classification: Uncertain significance. Last evaluated: 2021-11-03. Review status: criteria provided, single submitter. Criteria: ACMG Guidelines, 2015. Collection method: clinical testing. Allele origin: germline.

GeneDx
Classification: Likely benign. Last evaluated: 2021-05-23. Review status: criteria provided, single submitter. Criteria: GeneDx Variant Classification Process June 2021. Collection method: clinical testing. Allele origin: germline. Affected: yes.
Comment: This variant is associated with the following publications: (PMID: 25980754, 26315354, 23555315, 20805886, 28135145, 28873162, 28726808, 30374176, 31278556)

Sema4
Classification: Benign for Hereditary cancer-predisposing syndrome. Last evaluated: 2021-02-13. Review status: criteria provided, single submitter. Criteria: Sema4 Curation Guidelines. Collection method: curation. Allele origin: germline.

Mendelics
Classification: Uncertain significance for Microcephaly, normal intelligence and immunodeficiency. Last evaluated: 2019-05-28. Review status: criteria provided, single submitter. Criteria: Mendelics Assertion Criteria 2017. Collection method: clinical testing. Allele origin: unknown.

Ambry Genetics
Classification: Likely benign for Hereditary cancer-predisposing syndrome. Last evaluated: 2019-03-21. Review status: criteria provided, single submitter. Criteria: Ambry Variant Classification Scheme 2023. Collection method: clinical testing. Allele origin: germline.

University of Washington Department of Laboratory Medicine, University of Washington
Classification: Likely benign for Hereditary Breast Carcinoma. Last evaluated: 2018-05-29. Review status: criteria provided, single submitter. Criteria: Tsai GJ et al. (Genet Med 2018). Collection method: research. Allele origin: germline. Inheritance: Autosomal dominant inheritance. Affected: yes.
Comment: The NBN variant designated as NM_002485.4: c.1262T>C (p.Leu421Ser) is classified as likely benign. Cosegregation analysis of one observed family was performed using an online resource (RaÃ±ola et al, 2018, PMID:28965303) and yields a likelihood ratio of 1.88 to 1 that the allele is causing cancer in the family (Thompson et al, 2003, PMID:2900794, Damiola et al, 2014, PMID:24894818). However, this variant is found in approximately 1 out of 120 individuals of Ashkenazi Jewish ancestry, which is a higher frequency than expected of a pathogenic NBN variant (Kobayashi et al, 2017, PMID:28166811). It is listed in the ClinVar database (Variation ID: 127009) and has been classified as benign by another clinical laboratory. Computer software programs also predict that this variant is likely to be tolerated. Bayesian analysis integrating all of this data (Tavtigian et al, 2018, PMID: 29300386) gives about 1% probability of pathogenicity, which is consistent with a classification of likely benign. This variant is not predicted to alter NBN function or modify cancer risk. A modest (less than 2-fold) increase in cancer risk due to this variant cannot be excluded. This analysis was performed in conjunction with the family studies project as part of the University of Washington Find My Variant Study.

Illumina Laboratory Services, Illumina
Classification: Uncertain significance for Microcephaly, normal intelligence and immunodeficiency. Last evaluated: 2018-01-13. Review status: criteria provided, single submitter. Criteria: ICSL Variant Classification Criteria 13 December 2019. Collection method: clinical testing. Allele origin: germline.

GeneID Lab - Advanced Molecular Diagnostics
Classification: Uncertain significance for Hereditary cancer-predisposing syndrome. Last evaluated: 2017-09-07. Review status: criteria provided, single submitter. Criteria: ACMG Guidelines, 2015. Collection method: clinical testing. Allele origin: germline. Affected: no. Observed: 1 variant allele.

Fulgent Genetics
Classification: Uncertain significance for Microcephaly, normal intelligence and immunodeficiency; Aplastic anemia; Acute lymphoid leukemia. Last evaluated: 2017-05-23. Review status: criteria provided, single submitter. Criteria: ACMG Guidelines, 2015. Collection method: clinical testing. Allele origin: unknown.

Natera, Inc.
Classification: Benign for Nijmegen breakage syndrome. Last evaluated: 2019-11-11. Review status: no assertion criteria provided. Collection method: clinical testing. Allele origin: germline. Not counted in ClinVar's aggregate classification.

NM_002485.5(NBN):c.1262T>C (p.Leu421Ser)

Gene: NBN (nibrin; minus strand). Cytogenetic location: 8q21.3.
Variant type: single nucleotide variant.
Coding change: c.1262T>C on transcript NM_002485.5 (MANE Select); coding-DNA position 1262, T replaced by C.
Protein change: p.Leu421Ser; replaces leucine 421 with serine.
Molecular consequence: missense variant.
Genome position (GRCh38, 1-based): chr8:89,955,418, A>G on the plus strand (T>C on the coding strand, the complement: NBN is on the minus strand). VCF-style: chr8-89955418-A-G. GRCh37 (hg19) VCF-style: chr8-90967646-A-G.
Other names: p.L421S:TTG>TCG; c.1016T>C (NM_001024688.2); c.1016T>C, p.Leu339Ser (NM_001024688.3); short protein forms L421S, L339S.
Identifiers: ClinVar variation 127009 (VCV000127009.56), dbSNP rs104895032, ClinGen allele CA230729.